The following is an entry in ClinVar:

NM_001103.4(ACTN2):c.2264T>G (p.Met755Arg)

Gene: ACTN2 (actinin alpha 2; plus strand). Cytogenetic location: 1q43.
Variant type: single nucleotide variant.
Coding change: c.2264T>G on transcript NM_001103.4 (MANE Select); coding-DNA position 2264, T replaced by G.
Protein change: p.Met755Arg; replaces methionine 755 with arginine.
Molecular consequence: missense variant.
Genome position (GRCh38, 1-based): chr1:236,757,595, T>G. VCF-style: chr1-236757595-T-G. GRCh37 (hg19) VCF-style: chr1-236920895-T-G.
Other names: c.2264T>G, p.Met755Arg (NM_001278343.2); c.1640T>G, p.Met547Arg (NM_001278344.2); c.1514T>G, p.Met505Arg (NM_001412150.1); short protein forms M505R, M547R, M755R.
Identifiers: ClinVar variation 1721952 (VCV001721952.6), dbSNP rs755645612, ClinGen allele CA345389118.

ClinVar aggregate classification (germline): Uncertain significance (1 of 4 stars; one submission).

Conditions:
Primary familial hypertrophic cardiomyopathy (HCM). Identifiers: Orphanet 99739, MedGen C0949658, MeSH D024741, MONDO:0024573. Inheritance: Various modes of inheritance.
Dilated cardiomyopathy 1AA (CMD1AA). Also called: CARDIOMYOPATHY, DILATED, 1AA, WITH OR WITHOUT LEFT VENTRICULAR NONCOMPACTION; CARDIOMYOPATHY, FAMILIAL HYPERTROPHIC, 23, WITH OR WITHOUT LEFT VENTRICULAR NONCOMPACTION; Cardiomyopathy, dilated, 1AA, with or without LVNC. Identifiers: Orphanet 154, MedGen C2677338, MONDO:0012808, OMIM 612158.

Submission:

Labcorp Genetics (formerly Invitae), Labcorp
Classification: Uncertain significance for Primary familial hypertrophic cardiomyopathy; Dilated cardiomyopathy 1AA. Last evaluated: 2022-10-20. Review status: criteria provided, single submitter. Criteria: Invitae Variant Classification Sherloc (09022015). Collection method: clinical testing. Allele origin: germline.
Comment: This variant has not been reported in the literature in individuals affected with ACTN2-related conditions. This variant is not present in population databases (gnomAD no frequency). This sequence change replaces methionine, which is neutral and non-polar, with arginine, which is basic and polar, at codon 755 of the ACTN2 protein (p.Met755Arg). In summary, the available evidence is currently insufficient to determine the role of this variant in disease. Therefore, it has been classified as a Variant of Uncertain Significance. Advanced modeling of protein sequence and biophysical properties (such as structural, functional, and spatial information, amino acid conservation, physicochemical variation, residue mobility, and thermodynamic stability) performed at Invitae indicates that this missense variant is not expected to disrupt ACTN2 protein function.